The following is an entry in ClinVar:

ClinVar aggregate classification (germline): Uncertain significance (1 of 4 stars; one submission).

Conditions:
Carney complex, type 1 (CNC1). Also called: CARNEY MYXOMA-ENDOCRINE COMPLEX; CARNEY COMPLEX, TYPE I. Identifiers: Orphanet 1359, MedGen C2607929, MONDO:0008057, OMIM 160980.

Submission:

Labcorp Genetics (formerly Invitae), Labcorp
Classification: Uncertain significance for Carney complex, type 1. Last evaluated: 2023-07-19. Review status: criteria provided, single submitter. Criteria: Invitae Variant Classification Sherloc (09022015). Collection method: clinical testing. Allele origin: germline.
Comment: This sequence change replaces alanine, which is neutral and non-polar, with threonine, which is neutral and polar, at codon 341 of the PRKAR1A protein (p.Ala341Thr). This variant is not present in population databases (gnomAD no frequency). This variant has not been reported in the literature in individuals affected with PRKAR1A-related conditions. Advanced modeling of protein sequence and biophysical properties (such as structural, functional, and spatial information, amino acid conservation, physicochemical variation, residue mobility, and thermodynamic stability) performed at Invitae indicates that this missense variant is expected to disrupt PRKAR1A protein function. In summary, the available evidence is currently insufficient to determine the role of this variant in disease. Therefore, it has been classified as a Variant of Uncertain Significance.

NM_002734.5(PRKAR1A):c.1021G>A (p.Ala341Thr)

Gene: PRKAR1A (protein kinase cAMP-dependent type I regulatory subunit alpha; plus strand). Cytogenetic location: 17q24.2.
Variant type: single nucleotide variant.
Coding change: c.1021G>A on transcript NM_002734.5 (MANE Select); coding-DNA position 1021, G replaced by A.
Protein change: p.Ala341Thr; replaces alanine 341 with threonine.
Molecular consequence: missense variant. On other transcripts: intron variant (1).
Genome position (GRCh38, 1-based): chr17:68,530,324, G>A. VCF-style: chr17-68530324-G-A. GRCh37 (hg19) VCF-style: chr17-66526465-G-A.
Other names: c.1021G>A, p.Ala341Thr (NM_001276289.2, NM_001278433.2, NM_001369389.1 and 3 more transcripts); c.973+323G>A (NM_001276290.1); short protein forms A341T.
Identifiers: ClinVar variation 2745095 (VCV002745095.3), dbSNP rs2509446611, ClinGen allele CA400754552.